The following is an entry in ClinVar:

NM_001360016.2(G6PD):c.34G>A (p.Val12Met)

Genes: G6PD (glucose-6-phosphate dehydrogenase; minus strand), IKBKG (inhibitor of nuclear factor kappa B kinase regulatory subunit gamma; plus strand). Cytogenetic location: Xq28.
Variant type: single nucleotide variant.
Coding change: c.34G>A on transcript NM_001360016.2 (MANE Select); coding-DNA position 34, G replaced by A.
Protein change: p.Val12Met; replaces valine 12 with methionine.
Molecular consequence: missense variant. On other transcripts: intron variant (4).
Genome position (GRCh38, 1-based): chrX:154,546,122, C>T on the plus strand (G>A on the coding strand, the complement: G6PD is on the minus strand). VCF-style: chrX-154546122-C-T. GRCh37 (hg19) VCF-style: chrX-153774337-C-T.
Other names: c.124G>A, p.Val42Met (NM_000402.4); c.34G>A, p.Val12Met (NM_001042351.3); c.-16+4731C>T (NM_001377312.1, NM_001377313.1); c.189+3670C>T (NM_001099856.6); c.-16+3735C>T (NM_001321396.3); short protein forms V12M, V42M.
Identifiers: ClinVar variation 2417454 (VCV002417454.41), dbSNP rs797043472, ClinGen allele CA415202497.

ClinVar aggregate classification (germline): Uncertain significance (1 of 4 stars; one submission).

Conditions:
Anemia, nonspherocytic hemolytic, due to G6PD deficiency (CNSHA1). Also called: Class I glucose-6-phosphate dehydrogenase deficiency; Favism, susceptibility to; ANEMIA, CONGENITAL, NONSPHEROCYTIC HEMOLYTIC, 1; Hemolytic anemia due to G6PD deficiency. Identifiers: Orphanet 466026, MedGen C2720289, MONDO:0010480, OMIM 300908.

Allele frequency attached by ClinVar (database versions not stated): TOPMed below 0.00001.
gnomAD v4.1: 2 of 1,210,592 alleles (0.00017%); highest among the groups gnomAD compares: Non-Finnish European, 0.00022%; no homozygotes.

Submission:

Labcorp Genetics (formerly Invitae), Labcorp
Classification: Uncertain significance for Anemia, nonspherocytic hemolytic, due to G6PD deficiency. Last evaluated: 2025-06-26. Review status: criteria provided, single submitter. Criteria: Invitae Variant Classification Sherloc (09022015). Collection method: clinical testing. Allele origin: germline.
Comment: This sequence change replaces valine, which is neutral and non-polar, with methionine, which is neutral and non-polar, at codon 12 of the G6PD protein (p.Val12Met). This variant is not present in population databases (gnomAD no frequency). This variant has not been reported in the literature in individuals affected with G6PD-related conditions. ClinVar contains an entry for this variant (Variation ID: 2417454). Invitae Evidence Modeling of protein sequence and biophysical properties (such as structural, functional, and spatial information, amino acid conservation, physicochemical variation, residue mobility, and thermodynamic stability) indicates that this missense variant is expected to disrupt G6PD protein function with a positive predictive value of 95%. In summary, the available evidence is currently insufficient to determine the role of this variant in disease. Therefore, it has been classified as a Variant of Uncertain Significance.